The following is an entry in ClinVar:

ClinVar aggregate classification (germline): Conflicting classifications of pathogenicity. Review status: criteria provided, conflicting classifications (1 of 4 stars). 2 submissions from 2 submitters: Uncertain significance (1); Likely benign (1). Last evaluated 2026-09-10.

Conditions:
ELANE-related disorder. Also called: ELANE-related condition.
Inborn genetic diseases. Identifiers: MedGen C0950123, MeSH D030342.

gnomAD v4.1: 1 of 1,613,324 alleles (0.000062%); highest among the groups gnomAD compares: Non-Finnish European, 0.000085%; no homozygotes.

Submissions (2):

PreventionGenetics, part of Exact Sciences
Classification: Uncertain significance for ELANE-related condition. Last evaluated: 2026-09-10. Review status: criteria provided, single submitter. Criteria: ACMG Guidelines, 2015. Collection method: clinical testing. Allele origin: germline.
Comment: The ELANE c.727G>A variant is predicted to result in the amino acid substitution p.Asp243Asn. To our knowledge, this variant has not been reported in the literature or in a large population database (gnomAD), indicating this variant is rare. At this time, the clinical significance of this variant is uncertain due to the absence of conclusive functional and genetic evidence.

Ambry Genetics
Classification: Likely benign for Inborn genetic diseases. Last evaluated: 2025-03-01. Review status: criteria provided, single submitter. Criteria: Ambry Variant Classification Scheme 2023. Collection method: clinical testing. Allele origin: germline.

NM_001972.4(ELANE):c.727G>A (p.Asp243Asn)

Gene: ELANE (elastase, neutrophil expressed; plus strand). Cytogenetic location: 19p13.3.
Variant type: single nucleotide variant.
Coding change: c.727G>A on transcript NM_001972.4 (MANE Select); coding-DNA position 727, G replaced by A.
Protein change: p.Asp243Asn; replaces aspartic acid 243 with asparagine.
Molecular consequence: missense variant.
Genome position (GRCh38, 1-based): chr19:856,087, G>A. VCF-style: chr19-856087-G-A. GRCh37 (hg19) VCF-style: chr19-856087-G-A.
Other names: c.727G>A (NM_001972.3); short protein forms D243N.
Identifiers: ClinVar variation 3844331 (VCV003844331.2).
Genomic context (GRCh38, chr19:856,087, plus strand): 5'-TGCGCCTCAGGGCTCTACCCCGATGCCTTTGCCCCGGTGGCACAGTTTGTAAACTGGATC[G>A]ACTCTATCATCCAACGCTCCGAGGACAACCCCTGTCCCCACCCCCGGGACCCGGACCCGG-3'
Protein context (NP_001963.1, residues 233-253): APVAQFVNWI[Asp243Asn]SIIQRSEDNP